The following is an entry in ClinVar:

NM_020297.4(ABCC9):c.2342A>G (p.Tyr781Cys)

Gene: ABCC9 (ATP binding cassette subfamily C member 9; minus strand). Cytogenetic location: 12p12.1.
Variant type: single nucleotide variant.
Coding change: c.2342A>G on transcript NM_020297.4 (MANE Select); coding-DNA position 2342, A replaced by G.
Protein change: p.Tyr781Cys; replaces tyrosine 781 with cysteine.
Molecular consequence: missense variant.
Genome position (GRCh38, 1-based): chr12:21,861,053, T>C on the plus strand (A>G on the coding strand, the complement: ABCC9 is on the minus strand). VCF-style: chr12-21861053-T-C. GRCh37 (hg19) VCF-style: chr12-22013987-T-C.
Other names: c.2342A>G, p.Tyr781Cys (NM_001377273.1, NM_005691.4); c.1475A>G, p.Tyr492Cys (NM_001377274.1); short protein forms Y492C, Y781C.
Identifiers: ClinVar variation 4774406 (VCV004774406.1).

ClinVar aggregate classification (germline): Uncertain significance (1 of 4 stars; one submission).

Conditions:
Dilated cardiomyopathy 1O (CMD1O). Also called: CARDIOMYOPATHY, DILATED, WITH VENTRICULAR TACHYCARDIA. Identifiers: Orphanet 154, MedGen C1837839, MONDO:0012062, OMIM 608569.

Submission:

Labcorp Genetics (formerly Invitae), Labcorp
Classification: Uncertain significance for Dilated cardiomyopathy 1O. Last evaluated: 2025-12-03. Review status: criteria provided, single submitter. Criteria: Invitae Variant Classification Sherloc (09022015). Collection method: clinical testing. Allele origin: germline.
Comment: This sequence change replaces tyrosine, which is neutral and polar, with cysteine, which is neutral and slightly polar, at codon 781 of the ABCC9 protein (p.Tyr781Cys). This variant is not present in population databases (gnomAD no frequency). This variant has not been reported in the literature in individuals affected with ABCC9-related conditions. An algorithm developed to predict the effect of missense changes on protein structure and function (PolyPhen-2) suggests that this variant is likely to be disruptive. In summary, the available evidence is currently insufficient to determine the role of this variant in disease. Therefore, it has been classified as a Variant of Uncertain Significance.